The following is an entry in ClinVar:

ClinVar aggregate classification (germline): Conflicting classifications of pathogenicity. Review status: criteria provided, conflicting classifications (1 of 4 stars). 3 submissions from 3 submitters: Likely pathogenic (1); Uncertain significance (2). Last evaluated 2019-01-20.

Conditions:
Febrile seizure (within the age range of 3 months to 6 years). Also called: febrile convulsion; Febrile seizures; Febrile seizure. Identifiers: MedGen C0009952, HP:0002373.
Global developmental delay (DD). Also called: Cognitive delay. Identifiers: HP:0001263, MedGen C0557874. Disease mechanism: loss of function.
Choreoathetosis. Identifiers: MedGen C0085583, HP:0001266.
Leukoencephalopathy. Identifiers: MedGen C0270612, HP:0002352.
Developmental and epileptic encephalopathy, 13 (DEE13). Also called: Early infantile epileptic encephalopathy 13; SCN8A-Related Epilepsy; Developmental and Epileptic Encephalopathy (SCN8A-DEE). Identifiers: Orphanet 442835, MedGen C3281191, MONDO:0013801, OMIM 614558.
Early-infantile DEE. Also called: Early infantile epileptic encephalopathy; Early infantile epileptic encephalopathy with suppression bursts; Ohtahara syndrome. Identifiers: Orphanet 1934, MedGen C0393706, MONDO:0800491.

Submissions (3):

Baylor Genetics
Classification: Uncertain significance for Developmental and epileptic encephalopathy, 13. Last evaluated: 2019-01-20. Review status: criteria provided, single submitter. Criteria: ACMG Guidelines, 2015. Collection method: clinical testing. Allele origin: unknown. Affected: yes.
Comment: This variant was determined to be of uncertain significance according to ACMG Guidelines, 2015 [PMID:25741868].

Labcorp Genetics (formerly Invitae), Labcorp
Classification: Uncertain significance for Early-infantile DEE. Last evaluated: 2018-02-26. Review status: criteria provided, single submitter. Criteria: Invitae Variant Classification Sherloc (09022015). Collection method: clinical testing. Allele origin: germline.
Comment: Algorithms developed to predict the effect of missense changes on protein structure and function do not agree on the potential impact of this missense change (SIFT: "Deleterious"; PolyPhen-2: "Probably Damaging"; Align-GVGD: "Class C0"). This sequence change replaces phenylalanine with serine at codon 1412 of the SCN8A protein (p.Phe1412Ser). The phenylalanine residue is highly conserved and there is a large physicochemical difference between phenylalanine and serine. This variant is not present in population databases (ExAC no frequency). This variant has not been reported in the literature in individuals with SCN8A-related disease. In summary, the available evidence is currently insufficient to determine the role of this variant in disease. Therefore, it has been classified as a Variant of Uncertain Significance.

Centre for Mendelian Genomics, University Medical Centre Ljubljana
Classification: Likely pathogenic for Choreoathetosis; Febrile seizure (within the age range of 3 months to 6 years); Global developmental delay; Leukoencephalopathy. Last evaluated: 2017-01-01. Review status: criteria provided, single submitter. Criteria: ACMG Guidelines, 2015. Collection method: clinical testing. Allele origin: unknown. Affected: yes.

NM_001330260.2(SCN8A):c.4235T>C (p.Phe1412Ser)

Gene: SCN8A (sodium voltage-gated channel alpha subunit 8; plus strand). Cytogenetic location: 12q13.13.
Variant type: single nucleotide variant.
Coding change: c.4235T>C on transcript NM_001330260.2 (MANE Select); coding-DNA position 4235, T replaced by C.
Protein change: p.Phe1412Ser; replaces phenylalanine 1412 with serine.
Molecular consequence: missense variant.
Genome position (GRCh38, 1-based): chr12:51,788,702, T>C. VCF-style: chr12-51788702-T-C. GRCh37 (hg19) VCF-style: chr12-52182486-T-C.
Other names: c.4112T>C, p.Phe1371Ser (NM_001177984.3, NM_001369788.1); c.4235T>C, p.Phe1412Ser (NM_014191.4); short protein forms F1412S, F1371S.
Identifiers: ClinVar variation 523505 (VCV000523505.12), dbSNP rs1555228665, ClinGen allele CA384907172.